The following is an entry in ClinVar:

NM_198253.3(TERT):c.1594G>T (p.Ala532Ser)

Gene: TERT (telomerase reverse transcriptase; minus strand). Cytogenetic location: 5p15.33.
Variant type: single nucleotide variant.
Coding change: c.1594G>T on transcript NM_198253.3 (MANE Select); coding-DNA position 1594, G replaced by T.
Protein change: p.Ala532Ser; replaces alanine 532 with serine.
Molecular consequence: missense variant. On other transcripts: non-coding transcript variant (2).
Genome position (GRCh38, 1-based): chr5:1,282,604, C>A on the plus strand (G>T on the coding strand, the complement: TERT is on the minus strand). VCF-style: chr5-1282604-C-A. GRCh37 (hg19) VCF-style: chr5-1282719-C-A.
Other names: c.1594G>T, p.Ala532Ser (NM_001193376.3); short protein forms A532S.
Identifiers: ClinVar variation 539212 (VCV000539212.6), dbSNP rs776459827, ClinGen allele CA359083560.

ClinVar aggregate classification (germline): Uncertain significance. Review status: criteria provided, multiple submitters, no conflicts (2 of 4 stars). 2 submissions from 2 submitters: Uncertain significance (2). Last evaluated 2023-12-08.

Conditions:
Dyskeratosis congenita, autosomal dominant 2. Identifiers: MedGen C3151443, MONDO:0013521, OMIM 613989.
Idiopathic Pulmonary Fibrosis. Also called: Idiopathic fibrosing alveolitis, chronic form; idiopathic fibrosing alveolitis. Identifiers: Orphanet 2032, MedGen C1800706, MeSH D054990, MONDO:0800504.
Dyskeratosis congenita. Identifiers: Orphanet 1775, MedGen C0265965, MONDO:0015780.

gnomAD v4.1: 5 of 1,613,948 alleles (0.00031%); highest among the groups gnomAD compares: South Asian, 0.0011%; no homozygotes.

Submissions (2):

Ambry Genetics
Classification: Uncertain significance for Dyskeratosis congenita. Last evaluated: 2023-12-08. Review status: criteria provided, single submitter. Criteria: Ambry Variant Classification Scheme 2023. Collection method: clinical testing. Allele origin: germline.
Comment: The p.A532S variant (also known as c.1594G>T), located in coding exon 3 of the TERT gene, results from a G to T substitution at nucleotide position 1594. The alanine at codon 532 is replaced by serine, an amino acid with similar properties. This amino acid position is conserved. In addition, this alteration is predicted to be tolerated by in silico analysis. Since supporting evidence is limited at this time, the clinical significance of this alteration remains unclear.

Labcorp Genetics (formerly Invitae), Labcorp
Classification: Uncertain significance for Dyskeratosis congenita, autosomal dominant 2; Idiopathic Pulmonary Fibrosis. Last evaluated: 2023-04-15. Review status: criteria provided, single submitter. Criteria: Invitae Variant Classification Sherloc (09022015). Collection method: clinical testing. Allele origin: germline.
Comment: In summary, the available evidence is currently insufficient to determine the role of this variant in disease. Therefore, it has been classified as a Variant of Uncertain Significance. Advanced modeling of protein sequence and biophysical properties (such as structural, functional, and spatial information, amino acid conservation, physicochemical variation, residue mobility, and thermodynamic stability) performed at Invitae indicates that this missense variant is not expected to disrupt TERT protein function. ClinVar contains an entry for this variant (Variation ID: 539212). This variant has not been reported in the literature in individuals affected with TERT-related conditions. This variant is present in population databases (no rsID available, gnomAD 0.0009%). This sequence change replaces alanine, which is neutral and non-polar, with serine, which is neutral and polar, at codon 532 of the TERT protein (p.Ala532Ser).